The following is an entry in ClinVar:

ClinVar aggregate classification (germline): Pathogenic/Likely pathogenic. Review status: criteria provided, multiple submitters, no conflicts (2 of 4 stars). 19 submissions from 19 submitters: Pathogenic (13); Likely pathogenic (4). 2 of the submissions do not count toward it. Last evaluated 2026-06-19.

Conditions:
Polycystic kidney disease 4 (PKD4). Also called: POLYCYSTIC KIDNEY DISEASE 4 WITH OR WITHOUT POLYCYSTIC LIVER DISEASE; Autosomal Recessive Polycystic Kidney Disease – PKHD1; PKD3; POLYCYSTIC KIDNEY AND HEPATIC DISEASE 1; POLYCYSTIC KIDNEY DISEASE, INFANTILE, TYPE I. Identifiers: MedGen C4540575, MONDO:0033004, OMIM 263200.
PKHD1-related disorder. Also called: PKHD1-related condition.
Autosomal recessive polycystic kidney disease (ARPKD). Also called: AR polycystic kidney disease. Identifiers: Orphanet 731, Orphanet 8378, MedGen C0085548, MeSH D017044, MONDO:0009889.
Polycystic kidney disease. Also called: Kidney, Polycystic; Polycystic kidney dysplasia. Identifiers: MedGen C0022680, MeSH D007690, MONDO:0020642, HP:0000113.

Allele frequency attached by ClinVar (database versions not stated): TOPMed 0.00017; gnomAD 0.00041 and 0.00044.
gnomAD v4.1: 736 of 1,610,036 alleles (0.046%); highest among the groups gnomAD compares: Non-Finnish European, 0.04%; no homozygotes.

Submissions 1 to 13 of 19:

Victorian Clinical Genetics Services, Murdoch Childrens Research Institute
Classification: Pathogenic for Polycystic kidney disease 4. Last evaluated: 2026-06-19. Review status: criteria provided, single submitter. Criteria: ACMG Guidelines, 2015. Collection method: clinical testing. Allele origin: germline. Affected: yes.
Comment: This variant is classified as Pathogenic. Evidence in support of pathogenic classification: Variant is present in gnomAD <0.01 for a recessive condition (v4: 736 heterozygote(s), 0 homozygote(s)) - This variant has strong previous evidence of pathogenicity in unrelated individuals. This variant has been reported many times as likely pathogenic and pathogenic by clinical laboratories in ClinVar, and reported in compound heterozygous individuals with milder renal disease and polycystic kidney disease (PMID: 33532864, PMID: 15698423); This variant has strong evidence for segregation with disease. This variant has been shown to segregate in four affected pairs of siblings (PMID: 15698423); Missense variant predicted to be damaging by in silico tool(s) or highly conserved with a major amino acid change. Additional information: Variant is predicted to result in a missense amino acid change from Ile to Lys; This variant is heterozygous; This gene is associated with autosomal recessive disease; however, there are emerging reports of heterozygous carriers of PKHD1 variants developing liver cysts and nephrocalcinosis (PMID: 21945273, 36691356); Loss of function is a known mechanism of disease in this gene and is associated with polycystic kidney disease 4, with or without hepatic disease (MIM#263200); Variants in this gene are known to have variable expressivity. Significant intrafamilial variability has been reported (PMID: 20301501); Inheritance information for this variant is not currently available in this individual.

PreventionGenetics, part of Exact Sciences
Classification: Pathogenic for PKHD1-related condition. Last evaluated: 2026-04-20. Review status: criteria provided, single submitter. Criteria: ACMG Guidelines, 2015. Collection method: clinical testing. Allele origin: germline.
Comment: The PKHD1 c.6992T>A variant is predicted to result in the amino acid substitution p.Ile2331Lys. This variant has been repeatedly reported to be pathogenic for autosomal recessive polycystic kidney disease (ARPKD) (see for example, Ward et al. 2002. PubMed ID: 11919560; Bergmann et al. 2003. PubMed ID: 12506140). This variant is reported in 0.31% of alleles in individuals of European (Finnish) descent in gnomAD. This variant is interpreted as pathogenic.

Labcorp Genetics (formerly Invitae), Labcorp
Classification: Pathogenic for Autosomal recessive polycystic kidney disease. Last evaluated: 2026-01-12. Review status: criteria provided, single submitter. Criteria: Invitae Variant Classification Sherloc (09022015). Collection method: clinical testing. Allele origin: germline.
Comment: This sequence change replaces isoleucine, which is neutral and non-polar, with lysine, which is basic and polar, at codon 2331 of the PKHD1 protein (p.Ile2331Lys). This variant is present in population databases (rs200179145, gnomAD 0.3%), and has an allele count higher than expected for a pathogenic variant. This missense change has been observed in individual(s) with polycystic kidney disease (PMID: 11919560, 12506140, 15698423, 15805161, 19914852, 26673778). In at least one individual the data is consistent with being in trans (on the opposite chromosome) from a pathogenic variant. It has also been observed to segregate with disease in related individuals. ClinVar contains an entry for this variant (Variation ID: 188813). Invitae Evidence Modeling of protein sequence and biophysical properties (such as structural, functional, and spatial information, amino acid conservation, physicochemical variation, residue mobility, and thermodynamic stability) has been performed for this missense variant. However, the output from this modeling did not meet the statistical confidence thresholds required to predict the impact of this variant on PKHD1 protein function. For these reasons, this variant has been classified as Pathogenic.

Natera, Inc.
Classification: Pathogenic for Autosomal recessive polycystic kidney disease. Last evaluated: 2025-12-08. Review status: criteria provided, single submitter. Criteria: Natera Variant Classification Schema (03/2026). Collection method: clinical testing. Allele origin: germline.
Comment: The c.6992T>A variant in PKHD1 is a missense variant predicted to cause substitution of isoleucine to lysine at amino acid 2331. This variant is rare in the general population with a frequency below the threshold expected for the associated phenotype(s). This variant has been observed in one or more individuals affected with the associated recessive disease, as either homozygous or compound heterozygous with a second variant (PMID: 29956005, 26673778). Given the available evidence, this variant is classified as Pathogenic.

Blueprint Genetics
Classification: Pathogenic for PKHD1-related disorders. Last evaluated: 2024-11-19. Review status: criteria provided, single submitter. Criteria: ACMG Guidelines, 2015. Collection method: clinical testing. Allele origin: germline. Affected: yes. Observed: 5 variant alleles.

Fulgent Genetics
Classification: Pathogenic for Polycystic kidney disease 4. Last evaluated: 2024-04-04. Review status: criteria provided, single submitter. Criteria: ACMG Guidelines, 2015. Collection method: clinical testing. Allele origin: germline.

CeGaT Center for Human Genetics Tuebingen
Classification: Pathogenic. Last evaluated: 2024-01-01. Review status: criteria provided, single submitter. Criteria: CeGaT Center For Human Genetics Tuebingen Variant Classification Criteria Version 2. Collection method: clinical testing. Allele origin: germline. Affected: yes. Observed: 1 variant allele.
Comment: PKHD1: PM3:Very Strong, PM1, PM2, BP4

Institute of Human Genetics, University of Leipzig Medical Center
Classification: Pathogenic for Polycystic kidney disease 4. Last evaluated: 2023-08-21. Review status: criteria provided, single submitter. Criteria: ACMG Guidelines, 2015. Collection method: clinical testing. Allele origin: unknown. Inheritance: Autosomal recessive inheritance. Affected: yes.
Comment: Criteria applied: PM3_VSTR,PM1,PM2_SUP

Greenwood Genetic Center Diagnostic Laboratories, Greenwood Genetic Center
Classification: Likely pathogenic for Polycystic kidney disease 4. Last evaluated: 2022-03-30. Review status: criteria provided, single submitter. Criteria: ACMG Guidelines, 2015. Collection method: clinical testing. Allele origin: germline. Affected: yes.
Comment: PM3_Strong, PM1

Laboratory of Medical Genetics, National & Kapodistrian University of Athens
Classification: Likely pathogenic for Polycystic kidney disease 4. Last evaluated: 2021-10-06. Review status: criteria provided, single submitter. Criteria: ACMG Guidelines, 2015. Collection method: clinical testing. Allele origin: unknown. Affected: yes.
Comment: PM1, PM2, PP2, PP3, PP5

GeneDx
Classification: Pathogenic. Last evaluated: 2021-06-03. Review status: criteria provided, single submitter. Criteria: GeneDx Variant Classification Process June 2021. Collection method: clinical testing. Allele origin: germline. Affected: yes.
Comment: In silico analysis, which includes protein predictors and evolutionary conservation, supports a deleterious effect; This variant is associated with the following publications: (PMID: 12846734, 15805161, 12874454, 29956005, 14741187, 20413436, 16523049, 19914852, 15698423, 11919560, 15108277, 12506140, 15706593, 26673778, 29935118, 31980526, 27535533, 31589614)

Molecular Biology Laboratory, Fundació Puigvert
Classification: Likely pathogenic for Polycystic kidney disease 4. Last evaluated: 2020-02-01. Review status: criteria provided, single submitter. Criteria: ACMG Guidelines, 2015. Collection method: research. Allele origin: maternal. Affected: yes. Study: KidneyPanel_2020.

Women's Health and Genetics/Laboratory Corporation of America, LabCorp
Classification: Pathogenic for Autosomal recessive polycystic kidney disease. Last evaluated: 2020-01-20. Review status: criteria provided, single submitter. Criteria: LabCorp Variant Classification Summary - May 2015. Collection method: clinical testing. Allele origin: germline.
Comment: Variant summary: PKHD1 c.6992T>A (p.Ile2331Lys) results in a non-conservative amino acid change located in the Right handed beta helix domain (IPR039448) of the encoded protein sequence. Three of five in-silico tools predict a damaging effect of the variant on protein function. The variant allele was found at a frequency of 0.00046 in 251478 control chromosomes (gnomAD). This frequency is not higher than expected for a pathogenic variant in PKHD1 causing Polycystic Kidney and Hepatic Disease (0.00046 vs 0.0071), allowing no conclusion about variant significance. c.6992T>A has been reported in the literature in multiple compound heterozygous individuals affected with Polycystic Kidney and Hepatic Disease (Ward_2002, Bergmann_2003, Bergmann_2005). These data indicate that the variant is very likely to be associated with disease. To our knowledge, no experimental evidence demonstrating an impact on protein function has been reported. Six ClinVar submitters (evaluation after 2014) cite the variant as pathogenic/likely pathogenic. Based on the evidence outlined above, the variant was classified as pathogenic.

NM_138694.4(PKHD1):c.6992T>A (p.Ile2331Lys)

Gene: PKHD1 (PKHD1 ciliary IPT domain containing fibrocystin/polyductin; minus strand). Cytogenetic location: 6p12.2.
Variant type: single nucleotide variant.
Coding change: c.6992T>A on transcript NM_138694.4 (MANE Select); coding-DNA position 6992, T replaced by A.
Protein change: p.Ile2331Lys; replaces isoleucine 2331 with lysine.
Molecular consequence: missense variant.
Genome position (GRCh38, 1-based): chr6:51,903,601, A>T on the plus strand (T>A on the coding strand, the complement: PKHD1 is on the minus strand). VCF-style: chr6-51903601-A-T. GRCh37 (hg19) VCF-style: chr6-51768399-A-T.
Other names: c.6992T>A, p.Ile2331Lys (NM_170724.3); c.6992T>A (NM_170724.2); short protein forms I2331K.
Identifiers: ClinVar variation 188813 (VCV000188813.83), dbSNP rs200179145, ClinGen allele CA273991.